The following is an entry in ClinVar:

ClinVar aggregate classification (germline): Benign/Likely benign. Review status: criteria provided, multiple submitters, no conflicts (2 of 4 stars). 13 submissions from 12 submitters: Benign (5); Likely benign (8). Last evaluated 2026-09-01.

Conditions:
Hereditary cancer-predisposing syndrome. Also called: Neoplastic Syndromes, Hereditary; Tumor predisposition; Hereditary neoplastic syndrome; Hereditary Cancer Syndrome. Identifiers: Orphanet 140162, MedGen C0027672, MeSH D009386, MONDO:0015356.
Holoprosencephaly 7 (HPE7). Identifiers: Orphanet 2162, MedGen C1835820, MONDO:0012562, OMIM 610828.
Gorlin syndrome. Also called: Nevoid Basal Cell Carcinoma Syndrome; Basal cell nevus syndrome. Identifiers: Orphanet 377, MedGen C0004779, MONDO:0007187.

Allele frequency attached by ClinVar (database versions not stated): 1000 Genomes Project 0.00020; 1000 Genomes Project 30x 0.00031; ESP Exome Variant Server 0.00031; ExAC 0.00041; gnomAD exomes 0.00053 and 0.00066; gnomAD 0.00083 and 0.00086; TOPMed 0.00130.
gnomAD v4.1: 1,084 of 1,614,182 alleles (0.067%); highest among the groups gnomAD compares: Admixed American, 0.19%; 1 homozygote.

Submissions (13):

CeGaT Center for Human Genetics Tuebingen
Classification: Likely benign. Last evaluated: 2026-09-01. Review status: criteria provided, single submitter. Criteria: CeGaT Center For Human Genetics Tuebingen Variant Classification Criteria Version 2. Collection method: clinical testing. Allele origin: germline. Affected: yes. Observed: 6 variant alleles.
Comment: PTCH1: BP4, BP7, BS1

Labcorp Genetics (formerly Invitae), Labcorp
Classification: Benign for Gorlin syndrome. Last evaluated: 2026-02-02. Review status: criteria provided, single submitter. Criteria: Invitae Variant Classification Sherloc (09022015). Collection method: clinical testing. Allele origin: germline.

Quest Diagnostics Nichols Institute San Juan Capistrano
Classification: Benign. Last evaluated: 2025-05-01. Review status: criteria provided, single submitter. Criteria: Quest Diagnostics criteria. Collection method: clinical testing. Allele origin: unknown.

Center for Genomic Medicine, Rigshospitalet, Copenhagen University Hospital
Classification: Likely benign. Last evaluated: 2025-03-04. Review status: criteria provided, single submitter. Criteria: ACMG Guidelines, 2015. Collection method: clinical testing. Allele origin: germline.

Blueprint Genetics
Classification: Likely benign. Last evaluated: 2024-11-04. Review status: criteria provided, single submitter. Criteria: ACMG Guidelines, 2015. Collection method: clinical testing. Allele origin: germline.

Women's Health and Genetics/Laboratory Corporation of America, LabCorp
Classification: Benign. Last evaluated: 2022-05-13. Review status: criteria provided, single submitter. Criteria: LabCorp Variant Classification Summary - May 2015. Collection method: clinical testing. Allele origin: germline.

Sema4
Classification: Benign for Hereditary cancer-predisposing syndrome. Last evaluated: 2020-12-15. Review status: criteria provided, single submitter. Criteria: Sema4 Curation Guidelines. Collection method: curation. Allele origin: germline.

Illumina Laboratory Services, Illumina
Classification: Likely benign for Holoprosencephaly 7. Last evaluated: 2018-01-12. Review status: criteria provided, single submitter. Criteria: ICSL Variant Classification Criteria 13 December 2019. Collection method: clinical testing. Allele origin: germline.
Comment: This variant was observed in the ICSL laboratory as part of a predisposition screen in an ostensibly healthy population. It had not been previously curated by ICSL or reported in the Human Gene Mutation Database (HGMD: prior to June 1st, 2018), and was therefore a candidate for classification through an automated scoring system. Utilizing variant allele frequency, disease prevalence and penetrance estimates, and inheritance mode, an automated score was calculated to assess if this variant is too frequent to cause the disease. Based on the score and internal cut-off values, a variant classified as likely benign is not then subjected to further curation. The score for this variant resulted in a classification of likely benign for this disease.

Illumina Laboratory Services, Illumina
Classification: Likely benign for Basal cell nevus syndrome 1. Last evaluated: 2018-01-12. Review status: criteria provided, single submitter. Criteria: ICSL Variant Classification Criteria 13 December 2019. Collection method: clinical testing. Allele origin: germline.
Comment: the same text as in the submission from Illumina Laboratory Services, Illumina above.

Ambry Genetics
Classification: Likely benign for Hereditary cancer-predisposing syndrome. Last evaluated: 2015-08-19. Review status: criteria provided, single submitter. Criteria: Ambry Variant Classification Scheme 2023. Collection method: clinical testing. Allele origin: germline.

GeneDx
Classification: Benign. Last evaluated: 2015-04-11. Review status: criteria provided, single submitter. Criteria: GeneDx Variant Classification (06012015). Collection method: clinical testing. Allele origin: germline. Affected: yes.
Comment: This variant is considered likely benign or benign based on one or more of the following criteria: it is a conservative change, it occurs at a poorly conserved position in the protein, it is predicted to be benign by multiple in silico algorithms, and/or has population frequency not consistent with disease.

Breakthrough Genomics
Classification: Likely benign. Review status: criteria provided, single submitter. Criteria: ACMG Guidelines, 2015. Collection method: not provided. Allele origin: germline. Inheritance: Autosomal dominant inheritance. Affected: yes.

PreventionGenetics, part of Exact Sciences
Classification: Likely benign. Review status: criteria provided, single submitter. Criteria: ACMG Guidelines, 2015. Collection method: clinical testing. Allele origin: germline.

NM_000264.5(PTCH1):c.2304C>T (p.Thr768=)

Genes: PTCH1 (patched 1; minus strand), LOC100507346 (uncharacterized LOC100507346; plus strand). Cytogenetic location: 9q22.32.
Variant type: single nucleotide variant.
Coding change: c.2304C>T on transcript NM_000264.5 (MANE Select); coding-DNA position 2304, C replaced by T.
Protein change: p.Thr768=; no amino-acid change (threonine 768 retained).
Molecular consequence: synonymous variant. On other transcripts: non-coding transcript variant (1).
Genome position (GRCh38, 1-based): chr9:95,467,372, G>A on the plus strand (C>T on the coding strand, the complement: PTCH1 is on the minus strand). VCF-style: chr9-95467372-G-A. GRCh37 (hg19) VCF-style: chr9-98229654-G-A.
Other names: c.2106C>T, p.Thr702= (NM_001083602.3); c.2301C>T, p.Thr767= (NM_001083603.3); c.1851C>T, p.Thr617= (NM_001083604.3, NM_001083605.3, NM_001083606.3 and 1 more transcripts); c.2148C>T, p.Thr716= (NM_001354918.2).
Identifiers: ClinVar variation 135878 (VCV000135878.52), dbSNP rs1805156, ClinGen allele CA332488.
Genomic context (GRCh38, chr9:95,467,372, plus strand): 5'-ATATTCTCTGGTTTCCCGAGGTACAATGTCCGTAAGGTCCAGCCCGTCTCTCACTCGGGT[G>A]GTGCCATAAAGGCTGACCCCCAGCAAGCCCAGAAAAAGGAAGATCACCACTACCTGGAAC-3'
Protein context (NP_000255.2, residues 758-778): LGLLGVSLYG[Thr768=]TRVRDGLDLT